The following is an entry in ClinVar:

NM_001037333.3(CYFIP2):c.1898G>A (p.Arg633Gln)

Gene: CYFIP2 (cytoplasmic FMR1 interacting protein 2; plus strand). Cytogenetic location: 5q33.3.
Variant type: single nucleotide variant.
Coding change: c.1898G>A on transcript NM_001037333.3 (MANE Select); coding-DNA position 1898, G replaced by A.
Protein change: p.Arg633Gln; replaces arginine 633 with glutamine.
Molecular consequence: missense variant.
Genome position (GRCh38, 1-based): chr5:157,325,554, G>A. VCF-style: chr5-157325554-G-A. GRCh37 (hg19) VCF-style: chr5-156752562-G-A.
Other names: c.1820G>A, p.Arg607Gln (NM_001291721.2); c.1973G>A, p.Arg658Gln (NM_001291722.2); c.1898G>A, p.Arg633Gln (NM_014376.4); short protein forms R607Q, R633Q, R658Q.
Identifiers: ClinVar variation 3896608 (VCV003896608.2).
Genomic context (GRCh38, chr5:157,325,554, plus strand): 5'-AGTGTTGTGACCTCTCCCAGCTCTGGTTCCGAGAATTCTTCCTGGAGTTAACCATGGGCC[G>A]ACGAATCCAGTTCCCCATCGAGATGTCCATGCCCTGGATTCTAACGGACCATATCCTGGA-3'
Protein context (NP_001032410.1, residues 623-643): REFFLELTMG[Arg633Gln]RIQFPIEMSM

ClinVar aggregate classification (germline): Uncertain significance (1 of 4 stars; one submission).

gnomAD v4.1: 3 of 1,613,202 alleles (0.00019%); highest among the groups gnomAD compares: Non-Finnish European, 0.00017%; no homozygotes.

Submission:

Women's Health and Genetics/Laboratory Corporation of America, LabCorp
Classification: Uncertain significance. Last evaluated: 2025-04-30. Review status: criteria provided, single submitter. Criteria: LabCorp Variant Classification Summary - May 2015. Collection method: clinical testing. Allele origin: germline.
Comment: Variant summary: CYFIP2 c.1898G>A (p.Arg633Gln) results in a conservative amino acid change in the encoded protein sequence. Four of five in-silico tools predict a benign effect of the variant on protein function. The variant allele was found at a frequency of 1.9e-06 in 1606228 control chromosomes. The available data on variant occurrences in the general population are insufficient to allow any conclusion about variant significance. To our knowledge, no occurrence of c.1898G>A in individuals affected with Developmental And Epileptic Encephalopathy, 65 and no experimental evidence demonstrating its impact on protein function have been reported. No submitters have cited clinical-significance assessments for this variant to ClinVar. Based on the evidence outlined above, the variant was classified as uncertain significance.